The following is an entry in ClinVar:

NM_001130438.3(SPTAN1):c.6227A>G (p.Asn2076Ser)

Gene: SPTAN1 (spectrin alpha, non-erythrocytic 1; plus strand). Cytogenetic location: 9q34.11.
Variant type: single nucleotide variant.
Coding change: c.6227A>G on transcript NM_001130438.3 (MANE Select); coding-DNA position 6227, A replaced by G.
Protein change: p.Asn2076Ser; replaces asparagine 2076 with serine.
Molecular consequence: missense variant.
Genome position (GRCh38, 1-based): chr9:128,625,926, A>G. VCF-style: chr9-128625926-A-G. GRCh37 (hg19) VCF-style: chr9-131388205-A-G.
Other names: c.6152A>G, p.Asn2051Ser (NM_001195532.2); c.6227A>G, p.Asn2076Ser (NM_001363759.2, NM_001375310.1, NM_001375311.2 and 1 more transcripts); c.6167A>G, p.Asn2056Ser (NM_001363765.2, NM_001375314.2); c.6263A>G, p.Asn2088Ser (NM_001375312.2, NM_001375318.1); c.6212A>G, p.Asn2071Ser (NM_003127.4); short protein forms N2051S, N2076S, N2056S, N2088S, N2071S.
Identifiers: ClinVar variation 3693603 (VCV003693603.2).

ClinVar aggregate classification (germline): Uncertain significance (1 of 4 stars; one submission).

Conditions:
Early-infantile DEE. Also called: Early infantile epileptic encephalopathy with suppression bursts; Early infantile epileptic encephalopathy; Ohtahara syndrome. Identifiers: Orphanet 1934, MedGen C0393706, MONDO:0800491.

gnomAD v4.1: 1 of 1,614,156 alleles (0.000062%); highest among the groups gnomAD compares: Admixed American, 0.0017%; no homozygotes.

Submission:

Labcorp Genetics (formerly Invitae), Labcorp
Classification: Uncertain significance for Early-infantile DEE. Last evaluated: 2024-05-04. Review status: criteria provided, single submitter. Criteria: Invitae Variant Classification Sherloc (09022015). Collection method: clinical testing. Allele origin: germline.
Comment: This sequence change replaces asparagine, which is neutral and polar, with serine, which is neutral and polar, at codon 2076 of the SPTAN1 protein (p.Asn2076Ser). This variant is not present in population databases (gnomAD no frequency). This variant has not been reported in the literature in individuals affected with SPTAN1-related conditions. Advanced modeling of protein sequence and biophysical properties (such as structural, functional, and spatial information, amino acid conservation, physicochemical variation, residue mobility, and thermodynamic stability) has been performed at Invitae for this missense variant, however the output from this modeling did not meet the statistical confidence thresholds required to predict the impact of this variant on SPTAN1 protein function. In summary, the available evidence is currently insufficient to determine the role of this variant in disease. Therefore, it has been classified as a Variant of Uncertain Significance.